The following is an entry in ClinVar:

ClinVar aggregate classification (germline): Pathogenic. Review status: criteria provided, multiple submitters, no conflicts (2 of 4 stars). 7 submissions from 7 submitters: Pathogenic (6). 1 of the submissions does not count toward it. Last evaluated 2025-10-28.

Conditions:
GNPTG-related disorder. Also called: GNPTG-related condition.
GNPTG-mucolipidosis. Also called: Mucolipidosis type III gamma; MUCOLIPIDOSIS III, COMPLEMENTATION GROUP C; MUCOLIPIDOSIS III, IRANIAN VARIANT FORM; MUCOLIPIDOSIS III, VARIANT FORM; ML III GAMMA; ML IIIC. Identifiers: Orphanet 423470, Orphanet 577, MedGen C1854896, MONDO:0009652, OMIM 252605.
Rod-cone dystrophy. Identifiers: MedGen C4551714, HP:0000510.

Submissions (7):

Labcorp Genetics (formerly Invitae), Labcorp
Classification: Pathogenic. Last evaluated: 2025-10-28. Review status: criteria provided, single submitter. Criteria: Invitae Variant Classification Sherloc (09022015). Collection method: clinical testing. Allele origin: germline.
Comment: This sequence change creates a premature translational stop signal (p.Gln203Profs*4) in the GNPTG gene. It is expected to result in an absent or disrupted protein product. Loss-of-function variants in GNPTG are known to be pathogenic (PMID: 19370764, 20301784). This variant is present in population databases (rs756225251, gnomAD 0.006%). This variant has not been reported in the literature in individuals affected with GNPTG-related conditions. ClinVar contains an entry for this variant (Variation ID: 553164). For these reasons, this variant has been classified as Pathogenic.

Natera, Inc.
Classification: Pathogenic for Mucolipidosis III gamma. Last evaluated: 2025-03-19. Review status: criteria provided, single submitter. Criteria: Natera Variant Classification Schema (03/2026). Collection method: clinical testing. Allele origin: germline.
Comment: The c.607dupC variant in GNPTG is a frameshift variant predicted to shift the reading frame beginning at codon 203 and leads to a stop codon 4 codons downstream. This variant is expected to result in nonsense mediated decay, truncation, or a dysfunctional protein product. This variant is rare in the general population with a frequency below the threshold expected for the associated phenotype(s). This variant has been observed in one or more individuals affected with the associated recessive disease, as either homozygous or compound heterozygous with a second variant (PMID: 15060128). Given the available evidence, this variant is classified as Pathogenic.

Clinical Genetics and Genomics, Karolinska University Hospital
Classification: Pathogenic for Rod-cone dystrophy. Last evaluated: 2023-01-31. Review status: criteria provided, single submitter. Criteria: ACMG Guidelines, 2015. Collection method: clinical testing. Allele origin: germline. Inheritance: Autosomal recessive inheritance. Affected: yes.

GeneDx
Classification: Pathogenic. Last evaluated: 2022-10-04. Review status: criteria provided, single submitter. Criteria: GeneDx Variant Classification Process June 2021. Collection method: clinical testing. Allele origin: germline. Affected: yes.
Comment: Frameshift variant predicted to result in protein truncation or nonsense mediated decay in a gene for which loss of function is a known mechanism of disease; Not observed at significant frequency in large population cohorts (gnomAD); This variant is associated with the following publications: (PMID: 15060128)

Genome-Nilou Lab
Classification: Pathogenic for GNPTG-mucolipidosis. Last evaluated: 2021-11-07. Review status: criteria provided, single submitter. Criteria: ACMG Guidelines, 2015. Collection method: clinical testing. Allele origin: germline. Affected: no.

Blueprint Genetics
Classification: Pathogenic for GNPTG-related disorders. Last evaluated: 2021-09-13. Review status: criteria provided, single submitter. Criteria: ACMG Guidelines, 2015. Collection method: clinical testing. Allele origin: germline. Affected: yes. Observed: 1 variant allele.

Counsyl
Classification: Likely pathogenic for GNPTG-mucolipidosis. Last evaluated: 2017-07-31. Review status: no assertion criteria provided. Collection method: clinical testing. Allele origin: unknown. Not counted in ClinVar's aggregate classification.

Literature cited by the submitters: PubMed 19370764 (cited by Labcorp Genetics (formerly Invitae), Labcorp); PubMed 20301784 (cited by Labcorp Genetics (formerly Invitae), Labcorp); PubMed 15060128 (cited by Natera, Inc. and Counsyl).

NM_032520.5(GNPTG):c.607dup (p.Gln203fs)

Gene: GNPTG (N-acetylglucosamine-1-phosphate transferase subunit gamma; plus strand). Cytogenetic location: 16p13.3.
Variant type: Duplication.
Coding change: c.607dup on transcript NM_032520.5 (MANE Select); coding-DNA position 607, one base duplicated (C; older notation c.607dupC).
Protein change: p.Gln203fs; shifts the reading frame from glutamine 203.
Molecular consequence: frameshift variant.
Genome position (GRCh38, 1-based): chr16:1,362,532, C duplicated; the last of 6 consecutive C bases (chr16:1,362,527-1,362,532); duplicating any one gives the same sequence. VCF-style (leftmost placement, unchanged base first): chr16-1362526-A-AC. GRCh37 (hg19) VCF-style: chr16-1412527-A-AC.
Other names: c.607dupC (NM_032520.4); short protein forms Q203fs.
Identifiers: ClinVar variation 553164 (VCV000553164.22), dbSNP rs756225251, ClinGen allele CA7807819.